The following is an entry in ClinVar:

ClinVar aggregate classification (germline): Conflicting classifications of pathogenicity. Review status: criteria provided, conflicting classifications (1 of 4 stars). 3 submissions from 3 submitters: Uncertain significance (2); Likely benign (1). Last evaluated 2025-11-25.

Conditions:
Inborn genetic diseases. Identifiers: MedGen C0950123, MeSH D030342.

Allele frequency attached by ClinVar (database versions not stated): gnomAD exomes 0.00003; ExAC 0.00004; gnomAD 0.00005; TOPMed 0.00009; ESP Exome Variant Server 0.00025.

Submissions (3):

Ambry Genetics
Classification: Uncertain significance for Inborn genetic diseases. Last evaluated: 2025-11-25. Review status: criteria provided, single submitter. Criteria: Ambry Variant Classification Scheme 2023. Collection method: clinical testing. Allele origin: germline.

Blueprint Genetics
Classification: Likely benign. Last evaluated: 2024-06-18. Review status: criteria provided, single submitter. Criteria: ACMG Guidelines, 2015. Collection method: clinical testing. Allele origin: germline.

Labcorp Genetics (formerly Invitae), Labcorp
Classification: Uncertain significance. Last evaluated: 2022-09-01. Review status: criteria provided, single submitter. Criteria: Invitae Variant Classification Sherloc (09022015). Collection method: clinical testing. Allele origin: germline.
Comment: This sequence change replaces arginine, which is basic and polar, with glutamine, which is neutral and polar, at codon 543 of the IFT81 protein (p.Arg543Gln). This variant is present in population databases (rs202119813, gnomAD 0.02%). This variant has not been reported in the literature in individuals affected with IFT81-related conditions. ClinVar contains an entry for this variant (Variation ID: 1017127). Algorithms developed to predict the effect of missense changes on protein structure and function (SIFT, PolyPhen-2, Align-GVGD) all suggest that this variant is likely to be tolerated. In summary, the available evidence is currently insufficient to determine the role of this variant in disease. Therefore, it has been classified as a Variant of Uncertain Significance.

NM_014055.4(IFT81):c.1628G>A (p.Arg543Gln)

Gene: IFT81 (intraflagellar transport 81; plus strand). Cytogenetic location: 12q24.11.
Variant type: single nucleotide variant.
Coding change: c.1628G>A on transcript NM_014055.4 (MANE Select); coding-DNA position 1628, G replaced by A.
Protein change: p.Arg543Gln; replaces arginine 543 with glutamine.
Molecular consequence: missense variant. On other transcripts: non-coding transcript variant (4).
Genome position (GRCh38, 1-based): chr12:110,203,934, G>A. VCF-style: chr12-110203934-G-A. GRCh37 (hg19) VCF-style: chr12-110641739-G-A.
Other names: c.1628G>A (NM_014055.3); c.1628G>A, p.Arg543Gln (NM_001143779.2); c.698G>A, p.Arg233Gln (NM_001347947.2, NM_001347948.2); short protein forms R233Q, R543Q.
Identifiers: ClinVar variation 1017127 (VCV001017127.8), dbSNP rs202119813, ClinGen allele CA6783422.